The following is an entry in ClinVar:

NM_001365902.3(NFIX):c.153del (p.Asp51fs)

Gene: NFIX (nuclear factor I X; plus strand). Cytogenetic location: 19p13.13.
Variant type: Deletion.
Coding change: c.153del on transcript NM_001365902.3 (MANE Select); coding-DNA position 153, one base deleted (C; older notation c.153delC).
Protein change: p.Asp51fs; shifts the reading frame from aspartic acid 51.
Molecular consequence: frameshift variant.
Genome position (GRCh38, 1-based): chr19:13,025,146, C deleted. VCF-style (leftmost placement, unchanged base first): chr19-13025145-AC-A. GRCh37 (hg19) VCF-style: chr19-13135959-AC-A.
Other names: c.177del, p.Asp59fs (NM_001271043.2); c.129del, p.Asp43fs (NM_001271044.3, NM_001378404.1, NM_001440616.1 and 1 more transcripts); c.153del, p.Asp51fs (NM_001365982.2, NM_002501.4); c.12del, p.Asp4fs (NM_001365983.2); c.150del, p.Asp50fs (NM_001365984.2, NM_001365985.2); c.201del, p.Asp67fs (NM_001378405.1); short protein forms D43fs, D4fs, D50fs, D51fs, D59fs, D67fs.
Identifiers: ClinVar variation 4854806 (VCV004854806.1).

ClinVar aggregate classification (germline): Likely pathogenic (1 of 4 stars; one submission).

Conditions:
Marshall-Smith syndrome (MRSHSS). Identifiers: Orphanet 561, MedGen C0265211, MONDO:0011244, OMIM 602535.

Submission:

3billion
Classification: Likely pathogenic for Marshall-Smith syndrome. Last evaluated: 2026-01-15. Review status: criteria provided, single submitter. Criteria: ACMG Guidelines, 2015. Collection method: clinical testing. Allele origin: germline. Affected: yes.
Comment: The variant is not observed in the gnomAD v4.1.0 dataset. Predicted Consequence/Location: Frameshift: predicted to result in a loss or disruption of normal protein function through nonsense-mediated decay (NMD) or protein truncation. Multiple pathogenic variants are reported downstream of the variant. Therefore, this variant is classified as Likely pathogenic according to the recommendation of ACMG/AMP guideline.